The following is an entry in ClinVar:

ClinVar aggregate classification (germline): Uncertain significance (1 of 4 stars; one submission).

Allele frequency attached by ClinVar (database versions not stated): gnomAD exomes below 0.00001.
gnomAD v4.1: 1 of 1,614,140 alleles (0.000062%); highest among the groups gnomAD compares: South Asian, 0.0011%; no homozygotes.

Submission:

Women's Health and Genetics/Laboratory Corporation of America, LabCorp
Classification: Uncertain significance. Last evaluated: 2020-03-16. Review status: criteria provided, single submitter. Criteria: LabCorp Variant Classification Summary - May 2015. Collection method: clinical testing. Allele origin: germline.
Comment: Variant summary: A2ML1 c.2366C>T (p.Pro789Leu) results in a non-conservative amino acid change located in the Alpha-2-macroglobulin domain (IPR001599) of the encoded protein sequence. Four of five in-silico tools predict a damaging effect of the variant on protein function. The variant was absent in 249576 control chromosomes (gnomAD). The available data on variant occurrences in the general population are insufficient to allow any conclusion about variant significance. To our knowledge, no occurrence of c.2366C>T in individuals affected with Noonan Syndrome and no experimental evidence demonstrating its impact on protein function have been reported. No clinical diagnostic laboratories have submitted clinical-significance assessments for this variant to ClinVar after 2014. Based on the evidence outlined above, the variant was classified as uncertain significance.

NM_144670.6(A2ML1):c.2366C>T (p.Pro789Leu)

Gene: A2ML1 (alpha-2-macroglobulin like 1; plus strand). Cytogenetic location: 12p13.31.
Variant type: single nucleotide variant.
Coding change: c.2366C>T on transcript NM_144670.6 (MANE Select); coding-DNA position 2366, C replaced by T.
Protein change: p.Pro789Leu; replaces proline 789 with leucine.
Molecular consequence: missense variant.
Genome position (GRCh38, 1-based): chr12:8,851,915, C>T. VCF-style: chr12-8851915-C-T. GRCh37 (hg19) VCF-style: chr12-9004511-C-T.
Other names: c.893C>T, p.Pro298Leu (NM_001282424.3); short protein forms P298L, P789L.
Identifiers: ClinVar variation 918128 (VCV000918128.1), dbSNP rs1943905141, ClinGen allele CA383833330.